The following is an entry in ClinVar:

NM_004004.6(GJB2):c.355G>T (p.Glu119Ter)

Gene: GJB2 (gap junction protein beta 2; minus strand). Cytogenetic location: 13q12.11.
Variant type: single nucleotide variant.
Coding change: c.355G>T on transcript NM_004004.6 (MANE Select); coding-DNA position 355, G replaced by T.
Protein change: p.Glu119Ter; replaces glutamic acid 119 with a stop codon.
Molecular consequence: nonsense.
Genome position (GRCh38, 1-based): chr13:20,189,227, C>A on the plus strand (G>T on the coding strand, the complement: GJB2 is on the minus strand). VCF-style: chr13-20189227-C-A. GRCh37 (hg19) VCF-style: chr13-20763366-C-A.
Other names: short protein forms E119*.
Identifiers: ClinVar variation 560889 (VCV000560889.2), dbSNP rs150529554, ClinGen allele CA387461319.
Genomic context (GRCh38, chr13:20,189,227, plus strand): 5'-TGCTTGTGTAGGTCCACCACAGGGAGCCTTCGATGCGGACCTTCTGGGTTTTGATCTCCT[C>A]GATGTCCTTAAATTCACTCTTTATCTCCCCCTTGATGAACTTCCTCTTCTTCTCATGTCT-3'

ClinVar aggregate classification (germline): Pathogenic/Likely pathogenic. Review status: no assertion criteria provided (0 of 4 stars). 2 submissions from 2 submitters: Pathogenic (1); Likely pathogenic (1). Last evaluated 2018-09-10.

Conditions:
Hearing loss, autosomal recessive. Also called: Rare autosomal recessive non-syndromic sensorineural deafness type DFNB; Nonsyndromic Hearing Loss, Recessive; Deafness, autosomal recessive; Autosomal recessive nonsyndromic deafness. Identifiers: Orphanet 90635, Orphanet 90636, MedGen C1846647, MONDO:0019588, OMIM 607197.
Deafness. Identifiers: MedGen C0011053, HP:0000365.

Submissions (2):

Center for Statistical Genetics, Columbia University
Classification: Pathogenic for Deafness. Last evaluated: 2018-09-10. Review status: no assertion criteria provided. Collection method: research. Allele origin: inherited. Affected: yes.
Comment: Autosomal recessive

University of Washington Center for Mendelian Genomics, University of Washington
Classification: Likely pathogenic for non-syndromic autosomal recessive hearing loss. Review status: no assertion criteria provided. Collection method: research. Allele origin: inherited. Affected: yes.

Literature cited by the submitters: PubMed 30303587 (cited by University of Washington Center for Mendelian Genomics, University of Washington).